The following is an entry in ClinVar:

ClinVar aggregate classification (germline): Conflicting classifications of pathogenicity. Review status: criteria provided, conflicting classifications (1 of 4 stars). 4 submissions from 4 submitters: Uncertain significance (1); Benign (1); Likely benign (1). 1 of the submissions does not count toward it. Last evaluated 2024-10-30.

Conditions:
PACS1-related disorder. Also called: PACS1-related condition.

Allele frequency attached by ClinVar (database versions not stated): gnomAD exomes 0.00021 and 0.00059; gnomAD 0.00046; TOPMed 0.00048; 1000 Genomes Project 30x 0.00203; 1000 Genomes Project 0.00220.
gnomAD v4.1: 380 of 1,397,126 alleles (0.027%); highest among the groups gnomAD compares: South Asian, 0.16%; 2 homozygotes.

Submissions (4):

Blueprint Genetics
Classification: Likely benign. Last evaluated: 2024-10-30. Review status: criteria provided, single submitter. Criteria: ACMG Guidelines, 2015. Collection method: clinical testing. Allele origin: germline.

GeneDx
Classification: Benign. Last evaluated: 2019-05-09. Review status: criteria provided, single submitter. Criteria: GeneDx Variant Classification Process June 2021. Collection method: clinical testing. Allele origin: germline. Affected: yes.

Genetic Services Laboratory, University of Chicago
Classification: Uncertain significance. Last evaluated: 2014-09-11. Review status: criteria provided, single submitter. Criteria: ACMG Guidelines, 2015. Collection method: clinical testing. Allele origin: germline.

PreventionGenetics, part of Exact Sciences
Classification: Likely benign for PACS1-related condition. Last evaluated: 2021-09-02. Review status: no assertion criteria provided. Collection method: clinical testing. Allele origin: germline. Not counted in ClinVar's aggregate classification.
Comment: This variant is classified as likely benign based on ACMG/AMP sequence variant interpretation guidelines (Richards et al. 2015 PMID: 25741868, with internal and published modifications).

NM_018026.4(PACS1):c.104A>C (p.Gln35Pro)

Gene: PACS1 (phosphofurin acidic cluster sorting protein 1; plus strand). Cytogenetic location: 11q13.1.
Variant type: single nucleotide variant.
Coding change: c.104A>C on transcript NM_018026.4 (MANE Select); coding-DNA position 104, A replaced by C.
Protein change: p.Gln35Pro; replaces glutamine 35 with proline.
Molecular consequence: missense variant.
Genome position (GRCh38, 1-based): chr11:66,070,590, A>C. VCF-style: chr11-66070590-A-C. GRCh37 (hg19) VCF-style: chr11-65838061-A-C.
Other names: short protein forms Q35P.
Identifiers: ClinVar variation 211811 (VCV000211811.11), dbSNP rs369233658, ClinGen allele CA205744.